The following is an entry in ClinVar:

ClinVar aggregate classification (germline): Uncertain significance (1 of 4 stars; one submission).

Submission:

Labcorp Genetics (formerly Invitae), Labcorp
Classification: Uncertain significance. Last evaluated: 2025-06-08. Review status: criteria provided, single submitter. Criteria: Invitae Variant Classification Sherloc (09022015). Collection method: clinical testing. Allele origin: germline.
Comment: This sequence change replaces leucine, which is neutral and non-polar, with phenylalanine, which is neutral and non-polar, at codon 609 of the SMARCC2 protein (p.Leu609Phe). This variant is not present in population databases (gnomAD no frequency). This variant has not been reported in the literature in individuals affected with SMARCC2-related conditions. An algorithm developed to predict the effect of missense changes on protein structure and function (PolyPhen-2) suggests that this variant is likely to be disruptive. In summary, the available evidence is currently insufficient to determine the role of this variant in disease. Therefore, it has been classified as a Variant of Uncertain Significance.

NM_001330288.2(SMARCC2):c.1918C>T (p.Leu640Phe)

Gene: SMARCC2 (SWI/SNF related BAF chromatin remodeling complex subunit C2; minus strand). Cytogenetic location: 12q13.2.
Variant type: single nucleotide variant.
Coding change: c.1918C>T on transcript NM_001330288.2 (MANE Select); coding-DNA position 1918, C replaced by T.
Protein change: p.Leu640Phe; replaces leucine 640 with phenylalanine.
Molecular consequence: missense variant.
Genome position (GRCh38, 1-based): chr12:56,172,436, G>A on the plus strand (C>T on the coding strand, the complement: SMARCC2 is on the minus strand). VCF-style: chr12-56172436-G-A. GRCh37 (hg19) VCF-style: chr12-56566220-G-A.
Other names: c.1918C>T, p.Leu640Phe (NM_001130420.3, NM_139067.4); c.1825C>T, p.Leu609Phe (NM_003075.5); short protein forms L609F, L640F.
Identifiers: ClinVar variation 4720950 (VCV004720950.1).